The following is an entry in ClinVar:

NM_001365536.1(SCN9A):c.20C>G (p.Pro7Arg)

Gene: SCN9A (sodium voltage-gated channel alpha subunit 9; minus strand). Cytogenetic location: 2q24.3.
Variant type: single nucleotide variant.
Coding change: c.20C>G on transcript NM_001365536.1 (MANE Select); coding-DNA position 20, C replaced by G.
Protein change: p.Pro7Arg; replaces proline 7 with arginine.
Molecular consequence: missense variant.
Genome position (GRCh38, 1-based): chr2:166,311,737, G>C on the plus strand (C>G on the coding strand, the complement: SCN9A is on the minus strand). VCF-style: chr2-166311737-G-C. GRCh37 (hg19) VCF-style: chr2-167168247-G-C.
Other names: c.20C>G, p.Pro7Arg (NM_002977.4); short protein forms P7R.
Identifiers: ClinVar variation 1699886 (VCV001699886.2), dbSNP rs773012423, ClinGen allele CA349096278.

ClinVar aggregate classification (germline): Uncertain significance (1 of 4 stars; one submission).

Submission:

GeneDx
Classification: Uncertain significance. Last evaluated: 2022-01-28. Review status: criteria provided, single submitter. Criteria: GeneDx Variant Classification Process June 2021. Collection method: clinical testing. Allele origin: germline. Affected: yes.
Comment: Not observed at significant frequency in large population cohorts (gnomAD); In silico analysis supports that this missense variant has a deleterious effect on protein structure/function; Has not been previously published as pathogenic or benign to our knowledge